The following is an entry in ClinVar:

NM_001355436.2(SPTB):c.534G>A (p.Ala178=)

Gene: SPTB (spectrin beta, erythrocytic; minus strand). Cytogenetic location: 14q23.3.
Variant type: single nucleotide variant.
Coding change: c.534G>A on transcript NM_001355436.2 (MANE Select); coding-DNA position 534, G replaced by A.
Protein change: p.Ala178=; no amino-acid change (alanine 178 retained).
Molecular consequence: synonymous variant.
Genome position (GRCh38, 1-based): chr14:64,802,258, C>T on the plus strand (G>A on the coding strand, the complement: SPTB is on the minus strand). VCF-style: chr14-64802258-C-T. GRCh37 (hg19) VCF-style: chr14-65268976-C-T.
Other names: c.534G>A (NM_001024858.2); c.534G>A, p.Ala178= (NM_001024858.4, NM_001355437.2).
Identifiers: ClinVar variation 2912791 (VCV002912791.11), dbSNP rs140370547, ClinGen allele CA7231416.

ClinVar aggregate classification (germline): Benign/Likely benign. Review status: criteria provided, multiple submitters, no conflicts (2 of 4 stars). 3 submissions from 3 submitters: Benign (1); Likely benign (1). 1 of the submissions does not count toward it. Last evaluated 2025-11-01.

Conditions:
SPTB-related disorder. Also called: SPTB-Related Disorders; SPTB-related condition.

Allele frequency attached by ClinVar (database versions not stated): TOPMed 0.00002; gnomAD 0.00014; ESP Exome Variant Server 0.00015; gnomAD exomes 0.00018; ExAC 0.00050; 1000 Genomes Project 0.00120; 1000 Genomes Project 30x 0.00125.
gnomAD v4.1: 285 of 1,614,234 alleles (0.018%); highest among the groups gnomAD compares: South Asian, 0.27%; 13 homozygotes.

Submissions (3):

CeGaT Center for Human Genetics Tuebingen
Classification: Likely benign. Last evaluated: 2025-11-01. Review status: criteria provided, single submitter. Criteria: CeGaT Center For Human Genetics Tuebingen Variant Classification Criteria Version 2. Collection method: clinical testing. Allele origin: germline. Affected: yes. Observed: 1 variant allele.
Comment: SPTB: BP4, BP7, BS2

Labcorp Genetics (formerly Invitae), Labcorp
Classification: Benign. Last evaluated: 2024-09-30. Review status: criteria provided, single submitter. Criteria: Invitae Variant Classification Sherloc (09022015). Collection method: clinical testing. Allele origin: germline.

PreventionGenetics, part of Exact Sciences
Classification: Likely benign for SPTB-related condition. Last evaluated: 2019-04-25. Review status: no assertion criteria provided. Collection method: clinical testing. Allele origin: germline. Not counted in ClinVar's aggregate classification.
Comment: This variant is classified as likely benign based on ACMG/AMP sequence variant interpretation guidelines (Richards et al. 2015 PMID: 25741868, with internal and published modifications).